The following is an entry in ClinVar:

ClinVar aggregate classification (germline): Conflicting classifications of pathogenicity. Review status: criteria provided, conflicting classifications (1 of 4 stars). 3 submissions from 3 submitters: Likely pathogenic (2); Uncertain significance (1). Last evaluated 2025-06-04.

Conditions:
Crouzon syndrome. Also called: CRANIOFACIAL DYSOSTOSIS, TYPE I; Craniofacial dysostosis type 1; Crouzon craniofacial dysostosis; Crouzon disease; Craniofacial dysostosis. Identifiers: Orphanet 207, MedGen C0010273, MeSH D003394, MONDO:0007405, OMIM 123500, HP:0004439.
FGFR2-related craniosynostosis. Identifiers: MedGen CN231480.

Submissions (3):

Institute of Immunology and Genetics Kaiserslautern
Classification: Likely pathogenic for Crouzon syndrome. Last evaluated: 2025-06-04. Review status: criteria provided, single submitter. Criteria: ACMG Guidelines, 2015. Collection method: clinical testing. Allele origin: germline. Affected: yes.
Comment: ACMG Criteria: PM2, PP1, PP3, PP4, PP5; Variant was found in heterozygous state.

GeneDx
Classification: Uncertain significance. Last evaluated: 2023-12-09. Review status: criteria provided, single submitter. Criteria: GeneDx Variant Classification Process June 2021. Collection method: clinical testing. Allele origin: germline. Affected: yes.
Comment: Not observed at significant frequency in large population cohorts (gnomAD); In silico analysis supports that this missense variant has a deleterious effect on protein structure/function; Has not been previously published as pathogenic or benign to our knowledge

Labcorp Genetics (formerly Invitae), Labcorp
Classification: Likely pathogenic for FGFR2-related craniosynostosis. Last evaluated: 2023-03-10. Review status: criteria provided, single submitter. Criteria: Invitae Variant Classification Sherloc (09022015). Collection method: clinical testing. Allele origin: germline.
Comment: This sequence change replaces tryptophan, which is neutral and slightly polar, with glycine, which is neutral and non-polar, at codon 356 of the FGFR2 protein (p.Trp356Gly). This variant is not present in population databases (gnomAD no frequency). This missense change has been observed in individual(s) with FGFR2 related conditions (Invitae). It has also been observed to segregate with disease in related individuals. ClinVar contains an entry for this variant (Variation ID: 2103395). Advanced modeling of protein sequence and biophysical properties (such as structural, functional, and spatial information, amino acid conservation, physicochemical variation, residue mobility, and thermodynamic stability) performed at Invitae indicates that this missense variant is expected to disrupt FGFR2 protein function. In summary, the currently available evidence indicates that the variant is pathogenic, but additional data are needed to prove that conclusively. Therefore, this variant has been classified as Likely Pathogenic.

NM_000141.5(FGFR2):c.1066T>G (p.Trp356Gly)

Gene: FGFR2 (fibroblast growth factor receptor 2; minus strand). Cytogenetic location: 10q26.13.
Variant type: single nucleotide variant.
Coding change: c.1066T>G on transcript NM_000141.5 (MANE Select); coding-DNA position 1066, T replaced by G.
Protein change: p.Trp356Gly; replaces tryptophan 356 with glycine.
Molecular consequence: missense variant. On other transcripts: non-coding transcript variant (1), intron variant (5).
Genome position (GRCh38, 1-based): chr10:121,517,337, A>C on the plus strand (T>G on the coding strand, the complement: FGFR2 is on the minus strand). VCF-style: chr10-121517337-A-C. GRCh37 (hg19) VCF-style: chr10-123276851-A-C.
Other names: c.799T>G, p.Trp267Gly (NM_001144915.2, NM_023029.3); c.721T>G, p.Trp241Gly (NM_001144916.2, NM_001144918.2); c.382T>G, p.Trp128Gly (NM_001320654.2); c.1066T>G, p.Trp356Gly (NM_001320658.2); c.749-2018T>G (NM_001144914.1); c.939+2642T>G (NM_001144917.2); c.1087+1345T>G (NM_022970.4, NM_001144913.1); c.820+1345T>G (NM_001144919.2); short protein forms W356G, W241G, W128G, W267G.
Identifiers: ClinVar variation 2103395 (VCV002103395.6), dbSNP rs2134254562, ClinGen allele CA378327672.
Genomic context (GRCh38, chr10:121,517,337, plus strand): 5'-AAGAAAAGGGAAAAAAACCCAGAGAGAAAGAACAGTATATACCTGGCAGAACTGTCAACC[A>C]TGCAGAGTGAAAGGATATCCCAATAGAATTACCCGCCAAGCACGTATATTCCCCAGCGTC-3'
Protein context (NP_000132.3, residues 346-366): NSIGISFHSA[Trp356Gly]LTVLPAPGRE